The following is an entry in ClinVar:

NM_138691.3(TMC1):c.1569G>A (p.Glu523=)

Gene: TMC1 (transmembrane channel like 1; plus strand). Cytogenetic location: 9q21.13.
Variant type: single nucleotide variant.
Coding change: c.1569G>A on transcript NM_138691.3 (MANE Select); coding-DNA position 1569, G replaced by A.
Protein change: p.Glu523=; no amino-acid change (glutamic acid 523 retained).
Molecular consequence: synonymous variant.
Genome position (GRCh38, 1-based): chr9:72,805,384, G>A. VCF-style: chr9-72805384-G-A. GRCh37 (hg19) VCF-style: chr9-75420300-G-A.
Identifiers: ClinVar variation 4847890 (VCV004847890.2).

ClinVar aggregate classification (germline): Conflicting classifications of pathogenicity. Review status: criteria provided, conflicting classifications (1 of 4 stars). 2 submissions from 2 submitters: Uncertain significance (1); Likely benign (1). Last evaluated 2026-02-11.

Submissions (2):

Women's Health and Genetics/Laboratory Corporation of America, LabCorp
Classification: Uncertain significance. Last evaluated: 2026-02-11. Review status: criteria provided, single submitter. Criteria: LabCorp Variant Classification Summary - May 2015. Collection method: clinical testing. Allele origin: germline.
Comment: Variant summary: TMC1 c.1569G>A (p.Glu523Glu) alters a conserved nucleotide located close to a canonical splice site and therefore could affect mRNA splicing, leading to a significantly altered protein sequence. Consensus agreement among computation tools predict no significant impact on normal splicing. However, these predictions have yet to be confirmed by functional studies. The variant was absent in 251478 control chromosomes. The available data on variant occurrences in the general population are insufficient to allow any conclusion about variant significance. To our knowledge, no occurrence of c.1569G>A in individuals affected with TMC1-related conditions and no experimental evidence demonstrating its impact on protein function have been reported. No submitters have cited clinical-significance assessments for this variant to ClinVar. Based on the evidence outlined above, the variant was classified as uncertain significance.

Blueprint Genetics
Classification: Likely benign. Last evaluated: 2019-08-28. Review status: criteria provided, single submitter. Criteria: ACMG Guidelines, 2015. Collection method: clinical testing. Allele origin: germline.